The following is an entry in ClinVar:

ClinVar aggregate classification (germline): Uncertain significance (1 of 4 stars; one submission).

Conditions:
RYR1-related disorder. Also called: RYR1-related condition; RYR1-related disorders. Identifiers: MedGen CN239331.

Submission:

Labcorp Genetics (formerly Invitae), Labcorp
Classification: Uncertain significance for RYR1-related disorder. Last evaluated: 2026-01-19. Review status: criteria provided, single submitter. Criteria: Invitae Variant Classification Sherloc (09022015). Collection method: clinical testing. Allele origin: germline.
Comment: This sequence change replaces arginine, which is basic and polar, with glycine, which is neutral and non-polar, at codon 1371 of the RYR1 protein (p.Arg1371Gly). This variant is not present in population databases (gnomAD no frequency). This variant has not been reported in the literature in individuals affected with RYR1-related conditions. ClinVar contains an entry for this variant (Variation ID: 2989184). Invitae Evidence Modeling of protein sequence and biophysical properties (such as structural, functional, and spatial information, amino acid conservation, physicochemical variation, residue mobility, and thermodynamic stability) indicates that this missense variant is not expected to disrupt RYR1 protein function with a negative predictive value of 95%. In summary, the available evidence is currently insufficient to determine the role of this variant in disease. Therefore, it has been classified as a Variant of Uncertain Significance.

NM_000540.3(RYR1):c.4111A>G (p.Arg1371Gly)

Gene: RYR1 (ryanodine receptor 1; plus strand). Cytogenetic location: 19q13.2.
Variant type: single nucleotide variant.
Coding change: c.4111A>G on transcript NM_000540.3 (MANE Select); coding-DNA position 4111, A replaced by G.
Protein change: p.Arg1371Gly; replaces arginine 1371 with glycine.
Molecular consequence: missense variant.
Genome position (GRCh38, 1-based): chr19:38,473,722, A>G. VCF-style: chr19-38473722-A-G. GRCh37 (hg19) VCF-style: chr19-38964362-A-G.
Other names: c.4111A>G, p.Arg1371Gly (NM_001042723.2); short protein forms R1371G.
Identifiers: ClinVar variation 2989184 (VCV002989184.3), dbSNP rs1310955101, ClinGen allele CA405643125.
Genomic context (GRCh38, chr19:38,473,722, plus strand): 5'-ACTGCGAAGGAGGGCGCCCCCGGGGGCACCCCGCAGGCGGGGGGAGAGGCGCAGCCCGCC[A>G]GGGCGGAGAATGAGAAGGATGCCACCACCGAGAAGAACAAGAAGAGAGGGTGAGTCGAGG-3'
Protein context (NP_000531.2, residues 1361-1381): PQAGGEAQPA[Arg1371Gly]AENEKDATTE